The following is an entry in ClinVar:

ClinVar aggregate classification (germline): Uncertain significance (1 of 4 stars; one submission).

Conditions:
Bardet-Biedl syndrome (BBS). Identifiers: Orphanet 110, MedGen C0752166, MONDO:0015229.

gnomAD v4.1: 1 of 1,614,262 alleles (0.000062%); highest among the groups gnomAD compares: East Asian, 0.0022%; no homozygotes.

Submission:

Labcorp Genetics (formerly Invitae), Labcorp
Classification: Uncertain significance for Bardet-Biedl syndrome. Last evaluated: 2024-11-25. Review status: criteria provided, single submitter. Criteria: Invitae Variant Classification Sherloc (09022015). Collection method: clinical testing. Allele origin: germline.
Comment: This sequence change replaces lysine, which is basic and polar, with arginine, which is basic and polar, at codon 471 of the TRIM32 protein (p.Lys471Arg). This variant is not present in population databases (gnomAD no frequency). This variant has not been reported in the literature in individuals affected with TRIM32-related conditions. An algorithm developed to predict the effect of missense changes on protein structure and function (PolyPhen-2) suggests that this variant is likely to be disruptive. In summary, the available evidence is currently insufficient to determine the role of this variant in disease. Therefore, it has been classified as a Variant of Uncertain Significance.

NM_012210.4(TRIM32):c.1412A>G (p.Lys471Arg)

Genes: ASTN2 (astrotactin 2; minus strand), TRIM32 (tripartite motif containing 32; plus strand). Cytogenetic location: 9q33.1.
Variant type: single nucleotide variant.
Coding change: c.1412A>G on transcript NM_012210.4 (MANE Select); coding-DNA position 1412, A replaced by G.
Protein change: p.Lys471Arg; replaces lysine 471 with arginine.
Molecular consequence: missense variant. On other transcripts: intron variant (3).
Genome position (GRCh38, 1-based): chr9:116,699,154, A>G. VCF-style: chr9-116699154-A-G. GRCh37 (hg19) VCF-style: chr9-119461433-A-G.
Other names: c.1412A>G, p.Lys471Arg (NM_001099679.2, NM_001379048.1, NM_001379049.1 and 1 more transcripts); c.2653+26617T>C (NM_014010.5); c.2794+26617T>C (NM_001365069.1); c.2806+26617T>C (NM_001365068.1); short protein forms K471R.
Identifiers: ClinVar variation 3628192 (VCV003628192.2).